The following is an entry in ClinVar:

NM_003865.3(HESX1):c.59C>G (p.Ser20Cys)

Gene: HESX1 (HESX homeobox 1; minus strand). Cytogenetic location: 3p14.3.
Variant type: single nucleotide variant.
Coding change: c.59C>G on transcript NM_003865.3 (MANE Select); coding-DNA position 59, C replaced by G.
Protein change: p.Ser20Cys; replaces serine 20 with cysteine.
Molecular consequence: missense variant.
Genome position (GRCh38, 1-based): chr3:57,199,860, G>C on the plus strand (C>G on the coding strand, the complement: HESX1 is on the minus strand). VCF-style: chr3-57199860-G-C. GRCh37 (hg19) VCF-style: chr3-57233888-G-C.
Other names: c.59C>G, p.Ser20Cys (NM_001376058.1, NM_001376059.1, NM_001376060.1 and 1 more transcripts); short protein forms S20C.
Identifiers: ClinVar variation 1328541 (VCV001328541.4), dbSNP rs747106663, ClinGen allele CA2463337.

ClinVar aggregate classification (germline): Uncertain significance (1 of 4 stars; one submission).

Conditions:
Pituitary hormone deficiency, combined, 1 (CPHD1). Also called: Pituitary hormone deficiency, combined or isolated, 1. Identifiers: MedGen C2751608, MONDO:0024464, OMIM 613038.

Allele frequency attached by ClinVar (database versions not stated): gnomAD exomes below 0.00001; ExAC 0.00001; gnomAD 0.00001; TOPMed 0.00002.
gnomAD v4.1: 9 of 1,613,888 alleles (0.00056%); highest among the groups gnomAD compares: African/African-American, 0.0053%; no homozygotes.

Submission:

Illumina Laboratory Services, Illumina
Classification: Uncertain significance for Pituitary hormone deficiency, combined, 1. Last evaluated: 2021-06-24. Review status: criteria provided, single submitter. Criteria: ICSLVariantClassificationCriteria RUGD 01 April 2020. Collection method: clinical testing. Allele origin: unknown.
Comment: The HESX1 c.59C>G (p.Ser20Cys) variant is a missense variant. A literature search was performed for the gene, cDNA change, and amino acid change. No publications were found based on this search. This variant is found at a frequency of 0.000048 in the African/ African American population of the Genome Aggregation Database version 3.1.1 but this is based on two alleles in a region of good sequence coverage so the variant is presumed to be rare. Based on the limited evidence, the p.Ser20Cys variant is classified as a variant of uncertain significance for combined pituitary hormone deficiency.